The following is an entry in ClinVar:

NM_173685.4(NSMCE2):c.277C>T (p.Arg93Cys)

Gene: NSMCE2 (NSE2 SUMO ligase component of SMC5/6 complex; plus strand). Cytogenetic location: 8q24.13.
Variant type: single nucleotide variant.
Coding change: c.277C>T on transcript NM_173685.4 (MANE Select); coding-DNA position 277, C replaced by T.
Protein change: p.Arg93Cys; replaces arginine 93 with cysteine.
Molecular consequence: missense variant. On other transcripts: non-coding transcript variant (2).
Genome position (GRCh38, 1-based): chr8:125,182,115, C>T. VCF-style: chr8-125182115-C-T. GRCh37 (hg19) VCF-style: chr8-126194357-C-T.
Other names: c.277C>T, p.Arg93Cys (NM_001349485.2, NM_001349486.2, NM_001349487.2); short protein forms R93C.
Identifiers: ClinVar variation 1718566 (VCV001718566.5), dbSNP rs755127215, ClinGen allele CA4874364.
Genomic context (GRCh38, chr8:125,182,115, plus strand): 5'-ACTATTATTATTAACATTTAACTCAGGTAATTTTGTTGTCTCCCTTAGGTGAAAGAAGAA[C>T]GTCCAGAAAAAATACCAGATTTAAAATTATTGGTAGAGAAGAAATTTTTGGCTTTACAGA-3'
Protein context (NP_775956.1, residues 83-103): QSTINHVKEE[Arg93Cys]PEKIPDLKLL

ClinVar aggregate classification (germline): Uncertain significance (1 of 4 stars; one submission).

Submission:

Labcorp Genetics (formerly Invitae), Labcorp
Classification: Uncertain significance. Last evaluated: 2023-12-07. Review status: criteria provided, single submitter. Criteria: Invitae Variant Classification Sherloc (09022015). Collection method: clinical testing. Allele origin: germline.
Comment: This sequence change replaces arginine, which is basic and polar, with cysteine, which is neutral and slightly polar, at codon 93 of the NSMCE2 protein (p.Arg93Cys). The frequency data for this variant in the population databases is considered unreliable, as metrics indicate poor data quality at this position in the gnomAD database. This variant has not been reported in the literature in individuals affected with NSMCE2-related conditions. ClinVar contains an entry for this variant (Variation ID: 1718566). An algorithm developed to predict the effect of missense changes on protein structure and function (PolyPhen-2) suggests that this variant is likely to be tolerated. In summary, the available evidence is currently insufficient to determine the role of this variant in disease. Therefore, it has been classified as a Variant of Uncertain Significance.